The following is an entry in ClinVar:

NC_000015.9:g.(?_100514607)_(100594279_?)dup

Gene: ADAMTS17 (ADAM metallopeptidase with thrombospondin type 1 motif 17; minus strand). Cytogenetic location: 15q26.3.
Variant type: Duplication.
Identifiers: ClinVar variation 1412720 (VCV001412720.4).

ClinVar aggregate classification (germline): Uncertain significance (1 of 4 stars; one submission).

Submission:

Labcorp Genetics (formerly Invitae), Labcorp
Classification: Uncertain significance. Last evaluated: 2022-11-01. Review status: criteria provided, single submitter. Criteria: Invitae Variant Classification Sherloc (09022015). Collection method: clinical testing. Allele origin: germline.
Comment: This variant results in a copy number gain of the genomic region encompassing exon(s) 16-22 of the ADAMTS17 gene. This region includes the termination codon of the gene. This copy number gain extends beyond the assayed region for this gene and therefore may encompass additional genes. As the precise location of this event is unknown, it may be in tandem or it may be located elsewhere in the genome. This variant has not been reported in the literature in individuals affected with ADAMTS17-related conditions. In summary, the available evidence is currently insufficient to determine the role of this variant in disease. Therefore, it has been classified as a Variant of Uncertain Significance.